The following is an entry in ClinVar:

ClinVar aggregate classification (germline): Uncertain significance (1 of 4 stars; one submission).

Conditions:
Idiopathic Pulmonary Fibrosis. Also called: Idiopathic fibrosing alveolitis, chronic form; idiopathic fibrosing alveolitis. Identifiers: Orphanet 2032, MedGen C1800706, MeSH D054990, MONDO:0800504.
Dyskeratosis congenita, autosomal dominant 2. Identifiers: MedGen C3151443, MONDO:0013521, OMIM 613989.

Submission:

Labcorp Genetics (formerly Invitae), Labcorp
Classification: Uncertain significance for Dyskeratosis congenita, autosomal dominant 2; Idiopathic Pulmonary Fibrosis. Last evaluated: 2021-12-13. Review status: criteria provided, single submitter. Criteria: Invitae Variant Classification Sherloc (09022015). Collection method: clinical testing. Allele origin: germline.
Comment: In summary, the available evidence is currently insufficient to determine the role of this variant in disease. Therefore, it has been classified as a Variant of Uncertain Significance. Advanced modeling of protein sequence and biophysical properties (such as structural, functional, and spatial information, amino acid conservation, physicochemical variation, residue mobility, and thermodynamic stability) performed at Invitae indicates that this missense variant is not expected to disrupt TERT protein function. This variant has not been reported in the literature in individuals affected with TERT-related conditions. This variant is not present in population databases (gnomAD no frequency). This sequence change replaces aspartic acid, which is acidic and polar, with glycine, which is neutral and non-polar, at codon 61 of the TERT protein (p.Asp61Gly).

NM_198253.3(TERT):c.182A>G (p.Asp61Gly)

Genes: TERT (telomerase reverse transcriptase; minus strand), LOC110806263 (TERT 5' regulatory region; plus strand). Cytogenetic location: 5p15.33.
Variant type: single nucleotide variant.
Coding change: c.182A>G on transcript NM_198253.3 (MANE Select); coding-DNA position 182, A replaced by G.
Protein change: p.Asp61Gly; replaces aspartic acid 61 with glycine.
Molecular consequence: missense variant. On other transcripts: non-coding transcript variant (2).
Genome position (GRCh38, 1-based): chr5:1,294,808, T>C on the plus strand (A>G on the coding strand, the complement: TERT is on the minus strand). VCF-style: chr5-1294808-T-C. GRCh37 (hg19) VCF-style: chr5-1294923-T-C.
Other names: c.182A>G, p.Asp61Gly (NM_001193376.3, NM_003219.1); short protein forms D61G.
Identifiers: ClinVar variation 2041222 (VCV002041222.4), dbSNP rs2478433037, ClinGen allele CA359058895.
Genomic context (GRCh38, chr5:1,294,808, plus strand): 5'-ACGCCGACCCCGGGGAGGCCCACCTGGCGGAAGGAGGGGGCGGCGGGGGGCGGCCGTGCG[T>C]CCCAGGGCACGCACACCAGGCACTGGGCCACCAGCGCGCGGAAAGCCGCCGGGTCCCCGC-3'
Protein context (NP_937983.2, residues 51-71): VAQCLVCVPW[Asp61Gly]ARPPPAAPSF